The following is an entry in ClinVar:

ClinVar aggregate classification (germline): Uncertain significance. Review status: criteria provided, multiple submitters, no conflicts (2 of 4 stars). 2 submissions from 2 submitters: Uncertain significance (2). Last evaluated 2025-05-16.

Conditions:
Hereditary cancer-predisposing syndrome. Also called: Neoplastic Syndromes, Hereditary; Hereditary Cancer Syndrome; Tumor predisposition; Hereditary neoplastic syndrome. Identifiers: Orphanet 140162, MedGen C0027672, MeSH D009386, MONDO:0015356.
Gorlin syndrome. Also called: Basal cell nevus syndrome; Nevoid Basal Cell Carcinoma Syndrome. Identifiers: Orphanet 377, MedGen C0004779, MONDO:0007187.

Allele frequency attached by ClinVar (database versions not stated): gnomAD exomes below 0.00001; gnomAD 0.00001.
gnomAD v4.1: 4 of 1,613,898 alleles (0.00025%); highest among the groups gnomAD compares: African/African-American, 0.0013%; no homozygotes.

Submissions (2):

Labcorp Genetics (formerly Invitae), Labcorp
Classification: Uncertain significance for Gorlin syndrome. Last evaluated: 2025-05-16. Review status: criteria provided, single submitter. Criteria: Invitae Variant Classification Sherloc (09022015). Collection method: clinical testing. Allele origin: germline.
Comment: This sequence change replaces glutamine, which is neutral and polar, with glutamic acid, which is acidic and polar, at codon 218 of the PTCH1 protein (p.Gln218Glu). This variant is not present in population databases (gnomAD no frequency). This variant has not been reported in the literature in individuals affected with PTCH1-related conditions. ClinVar contains an entry for this variant (Variation ID: 1514325). Invitae Evidence Modeling of protein sequence and biophysical properties (such as structural, functional, and spatial information, amino acid conservation, physicochemical variation, residue mobility, and thermodynamic stability) indicates that this missense variant is not expected to disrupt PTCH1 protein function with a negative predictive value of 95%. RNA analysis performed to evaluate the impact of this missense change on mRNA splicing indicates it does not significantly alter splicing (internal data). In summary, the available evidence is currently insufficient to determine the role of this variant in disease. Therefore, it has been classified as a Variant of Uncertain Significance.

Ambry Genetics
Classification: Uncertain significance for Hereditary cancer-predisposing syndrome. Last evaluated: 2024-01-29. Review status: criteria provided, single submitter. Criteria: Ambry Variant Classification Scheme 2023. Collection method: clinical testing. Allele origin: germline.
Comment: The p.Q218E variant (also known as c.652C>G), located in coding exon 4 of the PTCH1 gene, results from a C to G substitution at nucleotide position 652. The glutamine at codon 218 is replaced by glutamic acid, an amino acid with highly similar properties. This amino acid position is conserved. In addition, the in silico prediction for this alteration is inconclusive. Based on the available evidence, the clinical significance of this alteration remains unclear.

NM_000264.5(PTCH1):c.652C>G (p.Gln218Glu)

Gene: PTCH1 (patched 1; minus strand). Cytogenetic location: 9q22.32.
Variant type: single nucleotide variant.
Coding change: c.652C>G on transcript NM_000264.5 (MANE Select); coding-DNA position 652, C replaced by G.
Protein change: p.Gln218Glu; replaces glutamine 218 with glutamic acid.
Molecular consequence: missense variant. On other transcripts: non-coding transcript variant (1).
Genome position (GRCh38, 1-based): chr9:95,482,136, G>C on the plus strand (C>G on the coding strand, the complement: PTCH1 is on the minus strand). VCF-style: chr9-95482136-G-C. GRCh37 (hg19) VCF-style: chr9-98244418-G-C.
Other names: c.652C>G (NM_000264.3); c.454C>G, p.Gln152Glu (NM_001083602.3, NM_001354919.2); c.649C>G, p.Gln217Glu (NM_001083603.3); c.199C>G, p.Gln67Glu (NM_001083604.3, NM_001083605.3, NM_001083606.3 and 1 more transcripts); c.652C>G, p.Gln218Glu (NM_001354918.2); short protein forms Q218E, Q217E, Q67E, Q152E.
Identifiers: ClinVar variation 1514325 (VCV001514325.7), dbSNP rs1841591077, ClinGen allele CA374115013.